The following is an entry in ClinVar:

NM_001482.3(GATM):c.1239G>A (p.Arg413=)

Gene: GATM (glycine amidinotransferase; minus strand). Cytogenetic location: 15q21.1.
Variant type: single nucleotide variant.
Coding change: c.1239G>A on transcript NM_001482.3 (MANE Select); coding-DNA position 1239, G replaced by A.
Protein change: p.Arg413=; no amino-acid change (arginine 413 retained).
Molecular consequence: synonymous variant.
Genome position (GRCh38, 1-based): chr15:45,362,142, C>T on the plus strand (G>A on the coding strand, the complement: GATM is on the minus strand). VCF-style: chr15-45362142-C-T. GRCh37 (hg19) VCF-style: chr15-45654340-C-T.
Other names: p.R413R:CGG>CGA; NM_001482.3(GATM):c.1239G>A; p.Arg413=; c.852G>A, p.Arg284= (NM_001321015.2).
Identifiers: ClinVar variation 137451 (VCV000137451.17), dbSNP rs550159982, ClinGen allele CA291041.

ClinVar aggregate classification (germline): Benign. Review status: reviewed by expert panel (3 of 4 stars). 5 submissions from 5 submitters: Benign (1). 4 of the submissions do not count toward it. Last evaluated 2022-06-06.

Conditions:
Inborn genetic diseases. Identifiers: MedGen C0950123, MeSH D030342.
GATM-related disorder. Also called: GATM-related condition.
Arginine:glycine amidinotransferase deficiency (CCDS3). Also called: L-Arginine:Glycine Amidinotransferase Deficiency; L-Arginine:Glycine Amidinotransferase (AGAT) Deficiency; AGAT deficiency; Creatine deficiency syndrome due to AGAT deficiency; GATM deficiency; Cerebral creatine deficiency syndrome 3. Identifiers: Orphanet 35704, MedGen C2675179, MONDO:0012996, OMIM 612718.

Allele frequency attached by ClinVar (database versions not stated): gnomAD 0.00003; 1000 Genomes Project 0.00020; TOPMed 0.00006; 1000 Genomes Project 30x 0.00016.
gnomAD v4.1: 58 of 1,613,874 alleles (0.0036%); highest among the groups gnomAD compares: Admixed American, 0.085%; no homozygotes.

Submissions (5):

ClinGen Cerebral Creatine Deficiency Syndromes Variant Curation Expert Panel, ClinGen
Classification: Benign for Arginine:glycine amidinotransferase deficiency. Last evaluated: 2022-06-06. Review status: reviewed by expert panel. Criteria: ClinGen_CCDS_ACMG_Specifications_GATM_v1.1. Collection method: curation. Allele origin: germline. Inheritance: Autosomal recessive inheritance.
Comment: The NM_001482.3:c.1239G>A (p.Arg413=) variant in GATM is a synonymous (silent) variant that is not predicted by SpliceAI to impact splicing. In addition, it occurs at a nucleotide that is not conserved as shown by PhyloP (BP7). The highest population minor allele frequency in gnomAD v2.1.1 is 0.00102 (36/35408 alleles) in the Latino population, which is higher than the ClinGen CCDS VCEP’s threshold for BA1 (>0.0005), and therefore meets this criterion (BA1). The computational splicing predictor SpliceAI gives a score of 0.0 for donor and acceptor loss suggesting that the variant has no impact on splicing (BP4). There is a ClinVar entry for this variant (Variation ID: 137451) with 2 submitters classifying the variant as benign/likely benign. In summary, this variant meets the criteria to be classified as benign for AGAT deficiency based on the ACMG/AMP criteria applied, as specified by the ClinGen Cerebral Creatine Deficiency Syndromes Variant Curation Expert Panel (Specifications Version 1.1.0): BA1, BP4, BP7. (Classification approved by the ClinGen CCDS VCEP on June 6, 2022).

Labcorp Genetics (formerly Invitae), Labcorp
Classification: Likely benign for Arginine:glycine amidinotransferase deficiency. Last evaluated: 2026-01-28. Review status: criteria provided, single submitter. Criteria: Invitae Variant Classification Sherloc (09022015). Collection method: clinical testing. Allele origin: germline. Not counted in ClinVar's aggregate classification.

Ambry Genetics
Classification: Likely benign for Inborn genetic diseases. Last evaluated: 2018-03-10. Review status: criteria provided, single submitter. Criteria: Ambry Variant Classification Scheme 2023. Collection method: clinical testing. Allele origin: germline. Not counted in ClinVar's aggregate classification.

GeneDx
Classification: Benign. Last evaluated: 2013-10-18. Review status: criteria provided, single submitter. Criteria: GeneDx Variant Classification (06012015). Collection method: clinical testing. Allele origin: germline. Affected: yes. Not counted in ClinVar's aggregate classification.
Comment: This variant is considered likely benign or benign based on one or more of the following criteria: it is a conservative change, it occurs at a poorly conserved position in the protein, it is predicted to be benign by multiple in silico algorithms, and/or has population frequency not consistent with disease.

PreventionGenetics, part of Exact Sciences
Classification: Likely benign for GATM-related condition. Last evaluated: 2019-02-19. Review status: no assertion criteria provided. Collection method: clinical testing. Allele origin: germline. Not counted in ClinVar's aggregate classification.
Comment: This variant is classified as likely benign based on ACMG/AMP sequence variant interpretation guidelines (Richards et al. 2015 PMID: 25741868, with internal and published modifications).